The following is an entry in ClinVar:

ClinVar aggregate classification (germline): Pathogenic (1 of 4 stars; one submission).

Conditions:
Legius syndrome. Identifiers: Orphanet 137605, MedGen C1969623, MONDO:0012669, OMIM 611431. Disease mechanism: loss of function.

Submission:

Labcorp Genetics (formerly Invitae), Labcorp
Classification: Pathogenic for Legius syndrome. Last evaluated: 2023-04-01. Review status: criteria provided, single submitter. Criteria: Invitae Variant Classification Sherloc (09022015). Collection method: clinical testing. Allele origin: germline.
Comment: This sequence change creates a premature translational stop signal (p.Thr102Serfs*19) in the SPRED1 gene. It is expected to result in an absent or disrupted protein product. Loss-of-function variants in SPRED1 are known to be pathogenic (PMID: 17704776). This variant is not present in population databases (gnomAD no frequency). This premature translational stop signal has been observed in individual(s) with clinical features of Legius syndrome (PMID: 21548021). For these reasons, this variant has been classified as Pathogenic. ClinVar contains an entry for this variant (Variation ID: 1420112).

Literature cited by the submitters: PubMed 17704776; PubMed 21548021.

NM_152594.3(SPRED1):c.305del (p.Thr102fs)

Gene: SPRED1 (sprouty related EVH1 domain containing 1; plus strand). Cytogenetic location: 15q14.
Variant type: Deletion.
Coding change: c.305del on transcript NM_152594.3 (MANE Select); coding-DNA position 305, one base deleted (C; older notation c.305delC).
Protein change: p.Thr102fs; shifts the reading frame from threonine 102.
Molecular consequence: frameshift variant.
Genome position (GRCh38, 1-based): chr15:38,322,338, C deleted. VCF-style (leftmost placement, unchanged base first): chr15-38322337-AC-A. GRCh37 (hg19) VCF-style: chr15-38614538-AC-A.
Other names: short protein forms T102fs.
Identifiers: ClinVar variation 1420112 (VCV001420112.6), dbSNP rs2140994872, ClinGen allele CA658761241.